The following is an entry in ClinVar:

ClinVar aggregate classification (germline): Uncertain significance (1 of 4 stars; one submission).

Submission:

Labcorp Genetics (formerly Invitae), Labcorp
Classification: Uncertain significance. Last evaluated: 2021-08-23. Review status: criteria provided, single submitter. Criteria: Invitae Variant Classification Sherloc (09022015). Collection method: clinical testing. Allele origin: germline.
Comment: This sequence change replaces histidine with arginine at codon 605 of the ERCC6 protein (p.His605Arg). The histidine residue is highly conserved and there is a small physicochemical difference between histidine and arginine. This variant is not present in population databases (ExAC no frequency). This variant has not been reported in the literature in individuals affected with ERCC6-related conditions. Algorithms developed to predict the effect of missense changes on protein structure and function output the following: SIFT: "Deleterious"; PolyPhen-2: "Benign"; Align-GVGD: "Class C0". The arginine amino acid residue is found in multiple mammalian species, which suggests that this missense change does not adversely affect protein function. In summary, the available evidence is currently insufficient to determine the role of this variant in disease. Therefore, it has been classified as a Variant of Uncertain Significance.

NM_000124.4(ERCC6):c.1814A>G (p.His605Arg)

Gene: ERCC6 (ERCC excision repair 6, chromatin remodeling factor; minus strand). Cytogenetic location: 10q11.23.
Variant type: single nucleotide variant.
Coding change: c.1814A>G on transcript NM_000124.4 (MANE Select); coding-DNA position 1814, A replaced by G.
Protein change: p.His605Arg; replaces histidine 605 with arginine.
Molecular consequence: missense variant.
Genome position (GRCh38, 1-based): chr10:49,493,124, T>C on the plus strand (A>G on the coding strand, the complement: ERCC6 is on the minus strand). VCF-style: chr10-49493124-T-C. GRCh37 (hg19) VCF-style: chr10-50701170-T-C.
Other names: c.1814A>G, p.His605Arg (NM_001346440.2); short protein forms H605R.
Identifiers: ClinVar variation 1377172 (VCV001377172.6), dbSNP rs2132564883, ClinGen allele CA376726404.